The following is an entry in ClinVar:

NM_001371623.1(TCOF1):c.622G>A (p.Asp208Asn)

Gene: TCOF1 (treacle ribosome biogenesis factor 1; plus strand). Cytogenetic location: 5q32.
Variant type: single nucleotide variant.
Coding change: c.622G>A on transcript NM_001371623.1 (MANE Select); coding-DNA position 622, G replaced by A.
Protein change: p.Asp208Asn; replaces aspartic acid 208 with asparagine.
Molecular consequence: missense variant.
Genome position (GRCh38, 1-based): chr5:150,369,585, G>A. VCF-style: chr5-150369585-G-A. GRCh37 (hg19) VCF-style: chr5-149749148-G-A.
Other names: c.622G>A, p.Asp208Asn (NM_000356.4, NM_001008657.3, NM_001135243.2 and 3 more transcripts); short protein forms D208N.
Identifiers: ClinVar variation 3371421 (VCV003371421.1).
Genomic context (GRCh38, chr5:150,369,585, plus strand): 5'-TCAGGGATGGTGTCAGCGGGCCAGGCCGACAGCTCCAGCGAGGACACCTCCAGCTCCAGT[G>A]ATGAGACAGACGTGGAGGTAATTGCCACCCATCCCTAGGAGTTGCCCTCTCCCAGCCTCT-3'
Protein context (NP_001358552.1, residues 198-218): SSSEDTSSSS[Asp208Asn]ETDVEGKPSV

ClinVar aggregate classification (germline): Uncertain significance (1 of 4 stars; one submission).

Submission:

GeneDx
Classification: Uncertain significance. Last evaluated: 2024-03-27. Review status: criteria provided, single submitter. Criteria: GeneDx Variant Classification Process June 2021. Collection method: clinical testing. Allele origin: germline. Affected: yes.
Comment: Not observed at significant frequency in large population cohorts (gnomAD); In silico analysis supports that this missense variant has a deleterious effect on protein structure/function; Has not been previously published as pathogenic or benign to our knowledge